The following is an entry in ClinVar:

ClinVar aggregate classification (germline): Uncertain significance (1 of 4 stars; one submission).

Allele frequency attached by ClinVar (database versions not stated): gnomAD exomes below 0.00001.
gnomAD v4.1: 1 of 1,614,022 alleles (0.000062%); highest among the groups gnomAD compares: Non-Finnish European, 0.000085%; no homozygotes.

Submission:

GeneDx
Classification: Uncertain significance. Last evaluated: 2025-07-29. Review status: criteria provided, single submitter. Criteria: GeneDx Variant Classification Process June 2021. Collection method: clinical testing. Allele origin: germline. Affected: yes.
Comment: Not observed at significant frequency in large population cohorts (gnomAD); In silico analysis supports that this missense variant has a deleterious effect on protein structure/function; Has not been previously published as pathogenic or benign to our knowledge; This variant is associated with the following publications: (PMID: 16775366, 26204789)

NM_000399.5(EGR2):c.1127T>G (p.Met376Arg)

Gene: EGR2 (early growth response 2; minus strand). Cytogenetic location: 10q21.3.
Variant type: single nucleotide variant.
Coding change: c.1127T>G on transcript NM_000399.5 (MANE Select); coding-DNA position 1127, T replaced by G.
Protein change: p.Met376Arg; replaces methionine 376 with arginine.
Molecular consequence: missense variant.
Genome position (GRCh38, 1-based): chr10:62,813,511, A>C on the plus strand (T>G on the coding strand, the complement: EGR2 is on the minus strand). VCF-style: chr10-62813511-A-C. GRCh37 (hg19) VCF-style: chr10-64573271-A-C.
Other names: c.1127T>G, p.Met376Arg (NM_001136177.3, NM_001136178.2); c.977T>G, p.Met326Arg (NM_001136179.3, NM_001321037.2); short protein forms M326R, M376R.
Identifiers: ClinVar variation 1318848 (VCV001318848.3), dbSNP rs2132702642, ClinGen allele CA377027603.